The following is an entry in ClinVar:

NM_002437.5(MPV17):c.107A>C (p.Gln36Pro)

Gene: MPV17 (mitochondrial inner membrane protein MPV17; minus strand). Cytogenetic location: 2p23.3.
Variant type: single nucleotide variant.
Coding change: c.107A>C on transcript NM_002437.5 (MANE Select); coding-DNA position 107, A replaced by C.
Protein change: p.Gln36Pro; replaces glutamine 36 with proline.
Molecular consequence: missense variant.
Genome position (GRCh38, 1-based): chr2:27,313,073, T>G on the plus strand (A>C on the coding strand, the complement: MPV17 is on the minus strand). VCF-style: chr2-27313073-T-G. GRCh37 (hg19) VCF-style: chr2-27535940-T-G.
Other names: c.107A>C (NM_002437.4); short protein forms Q36P.
Identifiers: ClinVar variation 694364 (VCV000694364.5), dbSNP rs762327729, ClinGen allele CA1575669.

ClinVar aggregate classification (germline): Conflicting classifications of pathogenicity. Review status: criteria provided, conflicting classifications (1 of 4 stars). 4 submissions from 4 submitters: Likely pathogenic (2); Uncertain significance (2). Last evaluated 2026-01-07.

Conditions:
Mitochondrial DNA depletion syndrome 6 (hepatocerebral type). Also called: Mitochondrial DNA depletion syndrome type 6; Navajo neurohepatopathy; NAVAJO NEUROPATHY. Identifiers: Orphanet 255229, MedGen C1850406, MONDO:0009747, OMIM 256810.
MPV17-related disorder. Also called: MPV17-related condition; MPV17-related disorders. Identifiers: MedGen CN239328.

Allele frequency attached by ClinVar (database versions not stated): gnomAD exomes below 0.00001; ExAC 0.00001.
gnomAD v4.1: 2 of 1,614,180 alleles (0.00012%); highest among the groups gnomAD compares: South Asian, 0.0022%; no homozygotes.

Submissions (4):

GeneDx
Classification: Likely pathogenic. Last evaluated: 2026-01-07. Review status: criteria provided, single submitter. Criteria: GeneDx Variant Classification Process June 2021. Collection method: clinical testing. Allele origin: germline. Affected: yes.
Comment: Not observed at significant frequency in large population cohorts (gnomAD); In silico analysis supports that this missense variant has a deleterious effect on protein structure/function; Missense variants in this gene are a common cause of disease and they are underrepresented in the general population; This variant is associated with the following publications: (PMID: 23714749, 39889355, Bharathi2024[CaseReport], 39382773, 37204315)

PreventionGenetics, part of Exact Sciences
Classification: Uncertain significance for MPV17-related condition. Last evaluated: 2024-10-29. Review status: criteria provided, single submitter. Criteria: ACMG Guidelines, 2015. Collection method: clinical testing. Allele origin: germline.
Comment: The MPV17 c.107A>C variant is predicted to result in the amino acid substitution p.Gln36Pro. This variant has been reported in the homozygous state in a child with suspected hepatocerebral mitochondrial DNA depletion syndrome (Uusimaa et al. 2014. PubMed ID: 23714749). This variant is reported in 0.0033% of alleles in individuals of South Asian descent in gnomAD. At this time, the clinical significance of this variant is uncertain due to the absence of conclusive functional and genetic evidence.

SIB Swiss Institute of Bioinformatics
Classification: Uncertain significance for Mitochondrial DNA depletion syndrome 6 (hepatocerebral type). Last evaluated: 2019-08-13. Review status: criteria provided, single submitter. Criteria: ACMG Guidelines, 2015. Collection method: curation. Allele origin: unknown.
Comment: This variant is interpreted as a variant of uncertain significance for Mitochondrial DNA depletion syndrome 6, autosomal recessive. The following ACMG Tag(s) were applied: PM2, PM3-supporting.

Neuberg Centre For Genomic Medicine, NCGM
Classification: Likely pathogenic for Mitochondrial DNA depletion syndrome 6 (hepatocerebral type). Review status: criteria provided, single submitter. Criteria: ACMG Guidelines, 2015. Collection method: clinical testing. Allele origin: germline. Inheritance: Autosomal recessive inheritance. Affected: yes.
Comment: The c.107A>C (p.Gln36Pro) missense variant in MPV17 gene has been reported in multiple patients affected with Mitochondrial DNA (mtDNA) depletion syndromes (Uusimaa et al., 2014). This variant is reported with the allele frequency (0.0003%) in the gnomAD and novel in 1000 genome database. This variant has been reported to the ClinVar database as Variant of Uncertain Significance. The amino acid Gln at position 36 is changed to a Pro changing protein sequence and it might alter its composition and physico-chemical properties. The amino acid change p.Gln36Pro in MPV17 is predicted as conserved by GERP++ and PhyloP across 100 vertebrates. For these reasons, this variant has been classified as Likely Pathogenic.

Literature cited by the submitters: PubMed 23714749 (cited by SIB Swiss Institute of Bioinformatics).